The following is an entry in ClinVar:

NM_032564.5(DGAT2):c.765C>A (p.Thr255=)

Gene: DGAT2 (diacylglycerol O-acyltransferase 2; plus strand). Cytogenetic location: 11q13.5.
Variant type: single nucleotide variant.
Coding change: c.765C>A on transcript NM_032564.5 (MANE Select); coding-DNA position 765, C replaced by A.
Protein change: p.Thr255=; no amino-acid change (threonine 255 retained).
Molecular consequence: synonymous variant.
Genome position (GRCh38, 1-based): chr11:75,797,288, C>A. VCF-style: chr11-75797288-C-A. GRCh37 (hg19) VCF-style: chr11-75508333-C-A.
Other names: p.Thr255=; c.636C>A, p.Thr212= (NM_001253891.2).
Identifiers: ClinVar variation 4683656 (VCV004683656.1).

ClinVar aggregate classification (germline): Likely benign (1 of 4 stars; one submission).

gnomAD v4.1: 87 of 1,562,416 alleles (0.0056%); highest among the groups gnomAD compares: Middle Eastern, 0.15%; no homozygotes.

Submission:

Mayo Clinic Laboratories, Mayo Clinic
Classification: Likely benign. Last evaluated: 2025-09-23. Review status: criteria provided, single submitter. Criteria: ACMG Guidelines, 2015. Collection method: clinical testing. Allele origin: germline. Observed: 1 variant allele.
Comment: BP4, BP7